The following is an entry in ClinVar:

NM_001845.6(COL4A1):c.619C>A (p.Pro207Thr)

Gene: COL4A1 (collagen type IV alpha 1 chain; minus strand). Cytogenetic location: 13q34.
Variant type: single nucleotide variant.
Coding change: c.619C>A on transcript NM_001845.6 (MANE Select); coding-DNA position 619, C replaced by A.
Protein change: p.Pro207Thr; replaces proline 207 with threonine.
Molecular consequence: missense variant.
Genome position (GRCh38, 1-based): chr13:110,209,424, G>T on the plus strand (C>A on the coding strand, the complement: COL4A1 is on the minus strand). VCF-style: chr13-110209424-G-T. GRCh37 (hg19) VCF-style: chr13-110861771-G-T.
Other names: c.619C>A, p.Pro207Thr (NM_001303110.2); short protein forms P207T.
Identifiers: ClinVar variation 1315917 (VCV001315917.2), dbSNP rs181845921, ClinGen allele CA388725409.

ClinVar aggregate classification (germline): Uncertain significance (1 of 4 stars; one submission).

gnomAD v4.1: 1 of 1,604,466 alleles (0.000062%); highest among the groups gnomAD compares: Non-Finnish European, 0.000085%; no homozygotes.

Submission:

GeneDx
Classification: Uncertain significance. Last evaluated: 2019-10-28. Review status: criteria provided, single submitter. Criteria: GeneDx Variant Classification Process June 2021. Collection method: clinical testing. Allele origin: germline. Affected: yes.
Comment: Not observed at a significant frequency in large population cohorts (Lek et al., 2016); In silico analysis, which includes protein predictors and evolutionary conservation, supports that this variant does not alter protein structure/function; Has not been previously published as pathogenic or benign to our knowledge